The following is an entry in ClinVar:

NM_001371623.1(TCOF1):c.4443+108C>A

Gene: TCOF1 (treacle ribosome biogenesis factor 1; plus strand). Cytogenetic location: 5q32.
Variant type: single nucleotide variant.
Coding change: c.4443+108C>A on transcript NM_001371623.1 (MANE Select); 108 bases into the intron after coding-DNA position 4443, C replaced by A.
Molecular consequence: intron variant.
Genome position (GRCh38, 1-based): chr5:150,398,559, C>A. VCF-style: chr5-150398559-C-A. GRCh37 (hg19) VCF-style: chr5-149778122-C-A.
Other names: NC_000005.9:g.149778122C>A; c.4440+108C>A (NM_001135243.2); c.4329+108C>A (NM_001135244.2); c.4326+108C>A (NM_001195141.2); c.4212+108C>A (NM_001135245.2); c.4209+108C>A (NM_000356.4).
Identifiers: ClinVar variation 209018 (VCV000209018.3), dbSNP rs111365835, ClinGen allele CA276076.

ClinVar aggregate classification (germline): Likely benign. Review status: criteria provided, single submitter (1 of 4 stars). 2 submissions from 2 submitters: Likely benign (1). 1 of the submissions does not count toward it.

Conditions:
Treacher Collins syndrome 1 (TCS1). Also called: TCOF1-Related Treacher Collins Syndrome. Identifiers: Orphanet 861, MedGen CN315775, MONDO:0007944, OMIM 154500.

Allele frequency attached by ClinVar (database versions not stated): 1000 Genomes Project 30x 0.00297; 1000 Genomes Project 0.00339; gnomAD 0.00548; TOPMed 0.00729.
gnomAD v4.1: 15,479 of 1,554,122 alleles (1%); highest among the groups gnomAD compares: Middle Eastern, 1.8%; 148 homozygotes.

Submissions (8):

Breakthrough Genomics
Classification: Likely benign. Review status: criteria provided, single submitter. Criteria: ACMG Guidelines, 2015. Collection method: not provided. Allele origin: germline. Inheritance: Autosomal dominant inheritance. Affected: yes.

Dr. Peter K. Rogan Lab, Western University
No classification provided (evidence only). Condition: Lung cancer. Review status: no classification provided. Collection method: in vitro. Allele origin: not applicable. Functional consequence: retained intron. Not counted in ClinVar's aggregate classification.

Dr. Peter K. Rogan Lab, Western University
No classification provided (evidence only). Condition: Uterine corpus endometrial carcinoma. Review status: no classification provided. Collection method: in vitro. Allele origin: not applicable. Functional consequence: retained intron. Not counted in ClinVar's aggregate classification.

Dr. Peter K. Rogan Lab, Western University
No classification provided (evidence only). Condition: Cervical cancer. Review status: no classification provided. Collection method: in vitro. Allele origin: not applicable. Functional consequence: retained intron. Not counted in ClinVar's aggregate classification.

Dr. Peter K. Rogan Lab, Western University
No classification provided (evidence only). Condition: Sarcoma. Review status: no classification provided. Collection method: in vitro. Allele origin: not applicable. Functional consequence: retained intron. Not counted in ClinVar's aggregate classification.

Dr. Peter K. Rogan Lab, Western University
No classification provided (evidence only). Condition: Thymoma. Review status: no classification provided. Collection method: in vitro. Allele origin: not applicable. Functional consequence: retained intron. Not counted in ClinVar's aggregate classification.

Dr. Peter K. Rogan Lab, Western University
No classification provided (evidence only). Condition: Ovarian serous cystadenocarcinoma. Review status: no classification provided. Collection method: in vitro. Allele origin: not applicable. Functional consequence: retained intron. Not counted in ClinVar's aggregate classification.

Genetics Laboratories, Oxford Radcliffe Hospitals NHS Trust
Classification: Benign for Treacher collins syndrome 1. Review status: no assertion criteria provided. Collection method: not provided. Allele origin: somatic. Not counted in ClinVar's aggregate classification.
Comment: Co-occurred with a pathogenic mutation in two TCS cases